The following is an entry in ClinVar:

ClinVar aggregate classification (germline): Uncertain significance (1 of 4 stars; one submission).

Submission:

Labcorp Genetics (formerly Invitae), Labcorp
Classification: Uncertain significance. Last evaluated: 2022-09-19. Review status: criteria provided, single submitter. Criteria: Invitae Variant Classification Sherloc (09022015). Collection method: clinical testing. Allele origin: germline.
Comment: In summary, the available evidence is currently insufficient to determine the role of this variant in disease. Therefore, it has been classified as a Variant of Uncertain Significance. Algorithms developed to predict the effect of missense changes on protein structure and function are either unavailable or do not agree on the potential impact of this missense change (SIFT: "Deleterious"; PolyPhen-2: "Probably Damaging"; Align-GVGD: "Class C0"). ClinVar contains an entry for this variant (Variation ID: 1005076). This sequence change replaces leucine, which is neutral and non-polar, with phenylalanine, which is neutral and non-polar, at codon 196 of the LRIT3 protein (p.Leu196Phe). This variant is not present in population databases (gnomAD no frequency). This variant has not been reported in the literature in individuals affected with LRIT3-related conditions.

NM_198506.5(LRIT3):c.586C>T (p.Leu196Phe)

Gene: LRIT3 (leucine rich repeat, Ig-like and transmembrane domains 3; plus strand). Cytogenetic location: 4q25.
Variant type: single nucleotide variant.
Coding change: c.586C>T on transcript NM_198506.5 (MANE Select); coding-DNA position 586, C replaced by T.
Protein change: p.Leu196Phe; replaces leucine 196 with phenylalanine.
Molecular consequence: missense variant.
Genome position (GRCh38, 1-based): chr4:109,851,973, C>T. VCF-style: chr4-109851973-C-T. GRCh37 (hg19) VCF-style: chr4-110773129-C-T.
Other names: short protein forms L196F.
Identifiers: ClinVar variation 1005076 (VCV001005076.5), dbSNP rs1473549343, ClinGen allele CA357872593.